The following is an entry in ClinVar:

NM_000540.3(RYR1):c.12562C>T (p.Arg4188Cys)

Gene: RYR1 (ryanodine receptor 1; plus strand). Cytogenetic location: 19q13.2.
Variant type: single nucleotide variant.
Coding change: c.12562C>T on transcript NM_000540.3 (MANE Select); coding-DNA position 12562, C replaced by T.
Protein change: p.Arg4188Cys; replaces arginine 4188 with cysteine.
Molecular consequence: missense variant.
Genome position (GRCh38, 1-based): chr19:38,561,392, C>T. VCF-style: chr19-38561392-C-T. GRCh37 (hg19) VCF-style: chr19-39052032-C-T.
Other names: c.12547C>T, p.Arg4183Cys (NM_001042723.2); short protein forms R4183C, R4188C.
Identifiers: ClinVar variation 863650 (VCV000863650.12), dbSNP rs1379375429, ClinGen allele CA405669689.
Genomic context (GRCh38, chr19:38,561,392, plus strand): 5'-AGCATCCTTGAGTACTTCCGCCCCTACCTGGGCCGCATCGAGATCATGGGCGCGTCACGC[C>T]GCATCGAGCGCATCTACTTCGAGATCTCAGAGACCAACCGCGCCCAGTGGGAGATGCCCC-3'
Protein context (NP_000531.2, residues 4178-4198): GRIEIMGASR[Arg4188Cys]IERIYFEISE

ClinVar aggregate classification (germline): Uncertain significance. Review status: criteria provided, multiple submitters, no conflicts (2 of 4 stars). 4 submissions from 4 submitters: Uncertain significance (4). Last evaluated 2024-12-10.

Conditions:
RYR1-related disorder. Also called: RYR1-related disorders; RYR1-related condition. Identifiers: MedGen CN239331.
Malignant hyperthermia, susceptibility to, 1 (MHS1). Also called: Anesthesia related hyperthermia; Malignant hyperpyrexia; Fulminating hyperpyrexia; Pharmacogenic myopathy; Malignant hyperthermia suceptibility 1; RYR1-Related Malignant Hyperthermia Susceptibility. Identifiers: Orphanet 423, MedGen C2930980, MONDO:0007783, OMIM 145600.

Allele frequency attached by ClinVar (database versions not stated): gnomAD exomes below 0.00001; TOPMed below 0.00001.
gnomAD v4.1: 3 of 1,613,180 alleles (0.00019%); highest among the groups gnomAD compares: Non-Finnish European, 0.00025%; no homozygotes.

Submissions (4):

GeneDx
Classification: Uncertain significance. Last evaluated: 2024-12-10. Review status: criteria provided, single submitter. Criteria: GeneDx Variant Classification Process June 2021. Collection method: clinical testing. Allele origin: germline. Affected: yes.
Comment: Not observed at significant frequency in large population cohorts (gnomAD); In silico analysis supports that this missense variant has a deleterious effect on protein structure/function; Has not been previously published as pathogenic or benign to our knowledge

All of Us Research Program, National Institutes of Health
Classification: Uncertain significance for Malignant hyperthermia, susceptibility to, 1. Last evaluated: 2024-04-25. Review status: criteria provided, single submitter. Criteria: ACMG Guidelines, 2015. Collection method: clinical testing. Allele origin: germline. Inheritance: Autosomal dominant inheritance. Observed: 2 variant alleles, 2 heterozygotes.
Comment: This missense variant replaces arginine with cysteine at codon 4188 of the RYR1 protein. Computational prediction suggests that this variant may have deleterious impact on protein structure and function (internally defined REVEL score threshold >= 0.7, PMID: 27666373). To our knowledge, functional studies have not been reported for this variant. This variant has not been reported in individuals affected with RYR1-related disorders in the literature. This variant has been identified in 1/249120 chromosomes in the general population by the Genome Aggregation Database (gnomAD). The available evidence is insufficient to determine the role of this variant in disease conclusively. Therefore, this variant is classified as a Variant of Uncertain Significance.

This study involves interpretation of variants in research participants for the purpose of population health screening. Participant phenotype was not available at the time of variant classification. Additional details can be found in publication PMID: 35346344, PMCID: PMC8962531

Color Diagnostics, LLC DBA Color Health
Classification: Uncertain significance for Malignant hyperthermia, susceptibility to, 1. Last evaluated: 2024-04-17. Review status: criteria provided, single submitter. Criteria: ACMG Guidelines, 2015. Collection method: clinical testing. Allele origin: germline.
Comment: This missense variant replaces arginine with cysteine at codon 4188 of the RYR1 protein. Computational prediction suggests that this variant may have deleterious impact on protein structure and function. To our knowledge, functional studies have not been reported for this variant. This variant has not been reported in individuals affected with RYR1-related disorders in the literature. This variant has been identified in 1/249120 chromosomes in the general population by the Genome Aggregation Database (gnomAD). The available evidence is insufficient to determine the role of this variant in disease conclusively. Therefore, this variant is classified as a Variant of Uncertain Significance.

Labcorp Genetics (formerly Invitae), Labcorp
Classification: Uncertain significance for RYR1-related disorder. Last evaluated: 2019-02-26. Review status: criteria provided, single submitter. Criteria: Invitae Variant Classification Sherloc (09022015). Collection method: clinical testing. Allele origin: germline.
Comment: This missense change is located in a region of the RYR1 protein where a significant number of previously reported RYR1 missense mutations are found (PMID: 16084090). These observations suggest that a previously unreported missense substitution within this region may affect protein function, but experiments have not been done to test this possibility. In summary, the available evidence is currently insufficient to determine the role of this variant in disease. Therefore, it has been classified as a Variant of Uncertain Significance. Algorithms developed to predict the effect of missense changes on protein structure and function are either unavailable or do not agree on the potential impact of this missense change (SIFT: "Deleterious"; PolyPhen-2: "Benign"; Align-GVGD: "Class C0"). This sequence change replaces arginine with cysteine at codon 4188 of the RYR1 protein (p.Arg4188Cys). The arginine residue is moderately conserved and there is a large physicochemical difference between arginine and cysteine. This variant is not present in population databases (ExAC no frequency). This variant has not been reported in the literature in individuals with RYR1-related conditions.

Literature cited by the submitters: PubMed 16084090 (cited by Labcorp Genetics (formerly Invitae), Labcorp).